The following is an entry in ClinVar:

ClinVar aggregate classification (germline): Uncertain significance. Review status: criteria provided, multiple submitters, no conflicts (2 of 4 stars). 3 submissions from 3 submitters: Uncertain significance (2). 1 of the submissions does not count toward it. Last evaluated 2024-09-04.

Conditions:
Retinal dystrophy. Also called: Inherited retinal dystrophy. Identifiers: Orphanet 71862, MedGen C0854723, MeSH D058499, MONDO:0019118, HP:0000556.
Cone-rod dystrophy 11 (CORD11). Identifiers: Orphanet 1872, MedGen C1835865, MONDO:0012483, OMIM 610381.

gnomAD v4.1: 35 of 1,613,352 alleles (0.0022%); highest among the groups gnomAD compares: Non-Finnish European, 0.0026%; no homozygotes.

Submissions (3):

Center for Precision Genome Editing and Genetic Technologies for Biomedicine, Pirogov Russian National Research Medical University
Classification: Uncertain significance for Cone-rod dystrophy 11. Last evaluated: 2024-09-04. Review status: criteria provided, single submitter. Criteria: ACMG Guidelines, 2015. Collection method: clinical testing. Allele origin: unknown. Inheritance: Autosomal dominant inheritance. Affected: yes. Observed: 1 heterozygote.
Comment: RAX2(NM_001319074.4):c.116T>C (p.Leu39Pro) This variant has been detected in control samples with an allele frequency of 0.0000239 and has not been detected in patients with cone-rod dystrophy 11; therefore, the PM2 criterion applies. The UniProt protein RAX2_HUMAN contains a DNA-binding "Homeobox" domain with 37 missense/in-frame variants (4 pathogenic, 33 of uncertain significance, and none classified as benign), which qualifies as supporting pathogenicity; thus, the PM1 criterion applies. Both BayesDel addAF and BayesDel no AF programs predict the variant to be pathogenic, fulfilling the PP3 criterion. Based on the applied ACMG/AMP criteria (PM1, PM2, PP3), this variant is classified as VUS (Variant of Uncertain Significance) for Cone-Rod Dystrophy 11.

Blueprint Genetics
Classification: Uncertain significance. Last evaluated: 2022-10-14. Review status: criteria provided, single submitter. Criteria: ACMG Guidelines, 2015. Collection method: clinical testing. Allele origin: germline.

Institute of Human Genetics, Univ. Regensburg, Univ. Regensburg
Classification: Uncertain significance for Retinal dystrophy. Last evaluated: 2022-01-01. Review status: no assertion criteria provided. Criteria: ACMG Guidelines, 2015. Collection method: clinical testing. Allele origin: germline. Affected: yes. Not counted in ClinVar's aggregate classification.

NM_001319074.4(RAX2):c.116T>C (p.Leu39Pro)

Gene: RAX2 (retina and anterior neural fold homeobox 2; minus strand). Cytogenetic location: 19p13.3.
Variant type: single nucleotide variant.
Coding change: c.116T>C on transcript NM_001319074.4 (MANE Select); coding-DNA position 116, T replaced by C.
Protein change: p.Leu39Pro; replaces leucine 39 with proline.
Molecular consequence: missense variant.
Genome position (GRCh38, 1-based): chr19:3,771,627, A>G on the plus strand (T>C on the coding strand, the complement: RAX2 is on the minus strand). VCF-style: chr19-3771627-A-G. GRCh37 (hg19) VCF-style: chr19-3771625-A-G.
Other names: c.116T>C, p.Leu39Pro (NM_032753.4); short protein forms L39P.
Identifiers: ClinVar variation 3249119 (VCV003249119.4), dbSNP rs752094189.